The following is an entry in ClinVar:

ClinVar aggregate classification (germline): Likely benign (1 of 4 stars; one submission).

Submission:

CeGaT Center for Human Genetics Tuebingen
Classification: Likely benign. Last evaluated: 2022-05-01. Review status: criteria provided, single submitter. Criteria: CeGaT Center For Human Genetics Tuebingen Variant Classification Criteria Version 2. Collection method: clinical testing. Allele origin: germline. Affected: yes. Observed: 1 variant allele.
Comment: WDR87: PM2:Supporting, BP4, BP7

NM_001291088.2(WDR87):c.5199C>G (p.Ala1733=)

Gene: WDR87 (WD repeat domain 87; minus strand). Cytogenetic location: 19q13.13.
Variant type: single nucleotide variant.
Coding change: c.5199C>G on transcript NM_001291088.2 (MANE Select); coding-DNA position 5199, C replaced by G.
Protein change: p.Ala1733=; no amino-acid change (alanine 1733 retained).
Molecular consequence: synonymous variant.
Genome position (GRCh38, 1-based): chr19:37,888,472, G>C on the plus strand (C>G on the coding strand, the complement: WDR87 is on the minus strand). VCF-style: chr19-37888472-G-C. GRCh37 (hg19) VCF-style: chr19-38379112-G-C.
Other names: c.5082C>G, p.Ala1694= (NM_031951.5).
Identifiers: ClinVar variation 2649778 (VCV002649778.24), dbSNP rs2513344144, ClinGen allele CA507343161.
Genomic context (GRCh38, chr19:37,888,472, plus strand): 5'-CAGCTCCTTTTCTTGCCAGTCCAGATTTTGTTCCCTCTGGGGCAGTTCTTCCACTTTCTG[G>C]GCCAATATGTTTTTCACCTCAGCCAGTTTCCCTCCTTTCTTTGCTAGTTTCTCTTCTTCT-3'
Protein context (NP_001278017.1, residues 1723-1743): GKLAEVKNIL[Ala1733=]QKVEELPQRE